The following is an entry in ClinVar:

NM_005431.2(XRCC2):c.624A>T (p.Glu208Asp)

Gene: XRCC2 (X-ray repair cross complementing 2; minus strand). Cytogenetic location: 7q36.1.
Variant type: single nucleotide variant.
Coding change: c.624A>T on transcript NM_005431.2 (MANE Select); coding-DNA position 624, A replaced by T.
Protein change: p.Glu208Asp; replaces glutamic acid 208 with aspartic acid.
Molecular consequence: missense variant.
Genome position (GRCh38, 1-based): chr7:152,648,861, T>A on the plus strand (A>T on the coding strand, the complement: XRCC2 is on the minus strand). VCF-style: chr7-152648861-T-A. GRCh37 (hg19) VCF-style: chr7-152345946-T-A.
Other names: short protein forms E208D.
Identifiers: ClinVar variation 1752419 (VCV001752419.2), dbSNP rs2485880849, ClinGen allele CA370198296.

ClinVar aggregate classification (germline): Uncertain significance (1 of 4 stars; one submission).

Conditions:
Hereditary cancer-predisposing syndrome. Also called: Hereditary Cancer Syndrome; Hereditary neoplastic syndrome; Neoplastic Syndromes, Hereditary; Tumor predisposition. Identifiers: Orphanet 140162, MedGen C0027672, MeSH D009386, MONDO:0015356.

Submission:

Ambry Genetics
Classification: Uncertain significance for Hereditary cancer-predisposing syndrome. Last evaluated: 2022-03-01. Review status: criteria provided, single submitter. Criteria: Ambry Variant Classification Scheme 2023. Collection method: clinical testing. Allele origin: germline.
Comment: The p.E208D variant (also known as c.624A>T), located in coding exon 3 of the XRCC2 gene, results from an A to T substitution at nucleotide position 624. The glutamic acid at codon 208 is replaced by aspartic acid, an amino acid with highly similar properties. This amino acid position is conserved. In addition, this alteration is predicted to be tolerated by in silico analysis. Since supporting evidence is limited at this time, the clinical significance of this alteration remains unclear.